The following is an entry in ClinVar:

NM_020458.4(TTC7A):c.607G>A (p.Ala203Thr)

Genes: TTC7A (tetratricopeptide repeat domain 7A; plus strand), LOC126806211 (CDK7 strongly-dependent group 2 enhancer GRCh37_chr2:47201305-47202504; plus strand). Cytogenetic location: 2p21.
Variant type: single nucleotide variant.
Coding change: c.607G>A on transcript NM_020458.4 (MANE Select); coding-DNA position 607, G replaced by A.
Protein change: p.Ala203Thr; replaces alanine 203 with threonine.
Molecular consequence: missense variant. On other transcripts: 5 prime UTR variant (1).
Genome position (GRCh38, 1-based): chr2:46,975,062, G>A. VCF-style: chr2-46975062-G-A. GRCh37 (hg19) VCF-style: chr2-47202201-G-A.
Other names: c.607G>A, p.Ala203Thr (NM_001288951.2); c.505G>A, p.Ala169Thr (NM_001288953.2); c.-298G>A (NM_001288955.2); c.607G>A (NM_020458.2); short protein forms A169T, A203T.
Identifiers: ClinVar variation 1006417 (VCV001006417.9), dbSNP rs767203972, ClinGen allele CA1647266.
Genomic context (GRCh38, chr2:46,975,062, plus strand): 5'-ATCGCCTCCCGCTTCCGCCTGACAGAGAGGGAGGAGGAAGTGATCACCTGTTTTGAGAGG[G>A]CCTCCTGGATCGCTCAGGTGTTCCTGCAGGAATTGGAGAAGGTGAGCTGGAAATAACACC-3'
Protein context (NP_065191.2, residues 193-213): EEEVITCFER[Ala203Thr]SWIAQVFLQE

ClinVar aggregate classification (germline): Uncertain significance. Review status: criteria provided, multiple submitters, no conflicts (2 of 4 stars). 2 submissions from 2 submitters: Uncertain significance (2). Last evaluated 2025-08-14.

Conditions:
Inborn genetic diseases. Identifiers: MedGen C0950123, MeSH D030342.
Multiple gastrointestinal atresias. Also called: FAMILIAL INTESTINAL POLYATRESIA SYNDROME; Multiple intestinal atresia. Identifiers: Orphanet 2300, MedGen C0220744, MONDO:0009465.

Allele frequency attached by ClinVar (database versions not stated): gnomAD exomes below 0.00001 and 0.00001; ExAC 0.00001; gnomAD 0.00001; TOPMed 0.00002.
gnomAD v4.1: 6 of 1,613,866 alleles (0.00037%); highest among the groups gnomAD compares: Admixed American, 0.0017%; no homozygotes.

Submissions (2):

Ambry Genetics
Classification: Uncertain significance for Inborn genetic diseases. Last evaluated: 2025-08-14. Review status: criteria provided, single submitter. Criteria: Ambry Variant Classification Scheme 2023. Collection method: clinical testing. Allele origin: germline.

Labcorp Genetics (formerly Invitae), Labcorp
Classification: Uncertain significance for Multiple gastrointestinal atresias. Last evaluated: 2022-08-16. Review status: criteria provided, single submitter. Criteria: Invitae Variant Classification Sherloc (09022015). Collection method: clinical testing. Allele origin: germline.
Comment: Algorithms developed to predict the effect of missense changes on protein structure and function are either unavailable or do not agree on the potential impact of this missense change (SIFT: "Deleterious"; PolyPhen-2: "Probably Damaging"; Align-GVGD: "Class C0"). This sequence change replaces alanine, which is neutral and non-polar, with threonine, which is neutral and polar, at codon 203 of the TTC7A protein (p.Ala203Thr). This variant is present in population databases (rs767203972, gnomAD 0.004%). This variant has not been reported in the literature in individuals affected with TTC7A-related conditions. ClinVar contains an entry for this variant (Variation ID: 1006417). In summary, the available evidence is currently insufficient to determine the role of this variant in disease. Therefore, it has been classified as a Variant of Uncertain Significance.